The following is an entry in ClinVar:

NM_000022.4(ADA):c.33+1G>A

Genes: ADA (adenosine deaminase; minus strand), LOC107303343 (adenosine deaminase intronic regulatory elements; plus strand). Cytogenetic location: 20q13.12.
Variant type: single nucleotide variant.
Coding change: c.33+1G>A on transcript NM_000022.4 (MANE Select); the canonical splice donor site of the intron after coding-DNA position 33, G replaced by A.
Molecular consequence: splice donor variant.
Genome position (GRCh38, 1-based): chr20:44,651,574, C>T on the plus strand (G>A on the coding strand, the complement: ADA is on the minus strand). VCF-style: chr20-44651574-C-T. GRCh37 (hg19) VCF-style: chr20-43280215-C-T.
Other names: c.-257+1G>A (NM_001322050.2); c.33+1G>A (NM_001322051.2).
Identifiers: ClinVar variation 1070322 (VCV001070322.11), dbSNP rs587776534, ClinGen allele CA409122561.

ClinVar aggregate classification (germline): Pathogenic. Review status: criteria provided, multiple submitters, no conflicts (2 of 4 stars). 2 submissions from 2 submitters: Pathogenic (2). Last evaluated 2022-07-20.

Conditions:
Severe combined immunodeficiency, autosomal recessive, T cell-negative, B cell-negative, NK cell-negative, due to adenosine deaminase deficiency. Also called: ADA deficiency; Adenosine deaminase deficient severe combined immunodeficiency; Severe combined immunodeficiency due to ADA deficiency; SCID DUE TO ADA DEFICIENCY; SCID DUE TO ADA DEFICIENCY, EARLY-ONSET; Adenosine Deaminase Deficiency. Identifiers: Orphanet 277, MedGen C0392607, MONDO:0007064, OMIM 102700.

Submissions (2):

Labcorp Genetics (formerly Invitae), Labcorp
Classification: Pathogenic for Severe combined immunodeficiency, autosomal recessive, T cell-negative, B cell-negative, NK cell-negative, due to adenosine deaminase deficiency. Last evaluated: 2022-07-20. Review status: criteria provided, single submitter. Criteria: Invitae Variant Classification Sherloc (09022015). Collection method: clinical testing. Allele origin: germline.
Comment: For these reasons, this variant has been classified as Pathogenic. Algorithms developed to predict the effect of sequence changes on RNA splicing suggest that this variant may disrupt the consensus splice site. ClinVar contains an entry for this variant (Variation ID: 1070322). Disruption of this splice site has been observed in individual(s) with clinical features of severe combined immunodeficiency (Invitae). In at least one individual the data is consistent with being in trans (on the opposite chromosome) from a pathogenic variant. This variant is not present in population databases (gnomAD no frequency). This sequence change affects a donor splice site in intron 1 of the ADA gene. It is expected to disrupt RNA splicing. Variants that disrupt the donor or acceptor splice site typically lead to a loss of protein function (PMID: 16199547), and loss-of-function variants in ADA are known to be pathogenic (PMID: 26255240, 26376800).

Genome-Nilou Lab
Classification: Pathogenic for Severe combined immunodeficiency, autosomal recessive, T cell-negative, B cell-negative, NK cell-negative, due to adenosine deaminase deficiency. Last evaluated: 2021-08-10. Review status: criteria provided, single submitter. Criteria: ACMG Guidelines, 2015. Collection method: clinical testing. Allele origin: germline. Affected: no.

Literature cited by the submitters: PubMed 16199547 (cited by Labcorp Genetics (formerly Invitae), Labcorp); PubMed 26255240 (cited by Labcorp Genetics (formerly Invitae), Labcorp); PubMed 26376800 (cited by Labcorp Genetics (formerly Invitae), Labcorp).